The following is an entry in ClinVar:

ClinVar aggregate classification (germline): Likely benign (0 of 4 stars; one submission).

Conditions:
CUX2-related disorder. Also called: CUX2-related condition.

Allele frequency attached by ClinVar (database versions not stated): gnomAD 0.00001; ExAC 0.00002; ESP Exome Variant Server 0.00008.
gnomAD v4.1: 8 of 1,351,806 alleles (0.00059%); highest among the groups gnomAD compares: Non-Finnish European, 0.00069%; no homozygotes.

Submission:

PreventionGenetics, part of Exact Sciences
Classification: Likely benign for CUX2-related condition. Last evaluated: 2019-09-18. Review status: no assertion criteria provided. Collection method: clinical testing. Allele origin: germline.
Comment: This variant is classified as likely benign based on ACMG/AMP sequence variant interpretation guidelines (Richards et al. 2015 PMID: 25741868, with internal and published modifications).

NM_015267.4(CUX2):c.63+9G>C

Gene: CUX2 (cut like homeobox 2; plus strand). Cytogenetic location: 12q24.11.
Variant type: single nucleotide variant.
Coding change: c.63+9G>C on transcript NM_015267.4 (MANE Select); 9 bases into the intron after coding-DNA position 63, G replaced by C.
Molecular consequence: intron variant.
Genome position (GRCh38, 1-based): chr12:111,034,249, G>C. VCF-style: chr12-111034249-G-C. GRCh37 (hg19) VCF-style: chr12-111472053-G-C.
Identifiers: ClinVar variation 3040305 (VCV003040305.2), dbSNP rs367566718, ClinGen allele CA6788142.